The following is an entry in ClinVar:

NM_001130438.3(SPTAN1):c.5791G>A (p.Val1931Met)

Gene: SPTAN1 (spectrin alpha, non-erythrocytic 1; plus strand). Cytogenetic location: 9q34.11.
Variant type: single nucleotide variant.
Coding change: c.5791G>A on transcript NM_001130438.3 (MANE Select); coding-DNA position 5791, G replaced by A.
Protein change: p.Val1931Met; replaces valine 1931 with methionine.
Molecular consequence: missense variant.
Genome position (GRCh38, 1-based): chr9:128,621,215, G>A. VCF-style: chr9-128621215-G-A. GRCh37 (hg19) VCF-style: chr9-131383494-G-A.
Other names: c.5716G>A, p.Val1906Met (NM_001195532.2); c.5791G>A, p.Val1931Met (NM_001363759.2, NM_001375310.1, NM_001375311.2 and 1 more transcripts); c.5731G>A, p.Val1911Met (NM_001363765.2, NM_001375314.2); c.5827G>A, p.Val1943Met (NM_001375312.2, NM_001375318.1); c.5776G>A, p.Val1926Met (NM_003127.4); short protein forms V1926M, V1931M, V1911M, V1906M, V1943M.
Identifiers: ClinVar variation 1441384 (VCV001441384.7), dbSNP rs371687713, ClinGen allele CA5265561.

ClinVar aggregate classification (germline): Uncertain significance (1 of 4 stars; one submission).

Conditions:
Early-infantile DEE. Also called: Early infantile epileptic encephalopathy; Ohtahara syndrome; Early infantile epileptic encephalopathy with suppression bursts. Identifiers: Orphanet 1934, MedGen C0393706, MONDO:0800491.

Allele frequency attached by ClinVar (database versions not stated): gnomAD exomes below 0.00001 and 0.00001; ExAC 0.00001; gnomAD 0.00001; TOPMed 0.00001; ESP Exome Variant Server 0.00008.
gnomAD v4.1: 5 of 1,613,924 alleles (0.00031%); highest among the groups gnomAD compares: Middle Eastern, 0.017%; no homozygotes.

Submission:

Labcorp Genetics (formerly Invitae), Labcorp
Classification: Uncertain significance for Early-infantile DEE. Last evaluated: 2022-07-19. Review status: criteria provided, single submitter. Criteria: Invitae Variant Classification Sherloc (09022015). Collection method: clinical testing. Allele origin: germline.
Comment: This sequence change replaces valine, which is neutral and non-polar, with methionine, which is neutral and non-polar, at codon 1931 of the SPTAN1 protein (p.Val1931Met). In summary, the available evidence is currently insufficient to determine the role of this variant in disease. Therefore, it has been classified as a Variant of Uncertain Significance. Algorithms developed to predict the effect of missense changes on protein structure and function are either unavailable or do not agree on the potential impact of this missense change (SIFT: "Deleterious"; PolyPhen-2: "Probably Damaging"; Align-GVGD: "Class C0"). ClinVar contains an entry for this variant (Variation ID: 1441384). This variant has not been reported in the literature in individuals affected with SPTAN1-related conditions. This variant is present in population databases (rs371687713, gnomAD 0.007%).